The following is an entry in ClinVar:

ClinVar aggregate classification (germline): Uncertain significance (1 of 4 stars; one submission).

Submission:

GeneDx
Classification: Uncertain significance. Last evaluated: 2023-02-15. Review status: criteria provided, single submitter. Criteria: GeneDx Variant Classification Process June 2021. Collection method: clinical testing. Allele origin: germline. Affected: yes.
Comment: Not observed at significant frequency in large population cohorts (gnomAD); In silico analysis supports that this missense variant has a deleterious effect on protein structure/function; Has not been previously published as pathogenic or benign to our knowledge; Variants in candidate genes are classified as variants of uncertain significance in accordance with ACMG guidelines (Richards et al., 2015)

NM_182699.4(DDX53):c.594G>C (p.Lys198Asn)

Genes: DDX53 (DEAD-box helicase 53; plus strand), PTCHD1-AS (PTCHD1 antisense RNA (head to head); minus strand). Cytogenetic location: Xp22.11.
Variant type: single nucleotide variant.
Coding change: c.594G>C on transcript NM_182699.4 (MANE Select); coding-DNA position 594, G replaced by C.
Protein change: p.Lys198Asn; replaces lysine 198 with asparagine.
Molecular consequence: missense variant.
Genome position (GRCh38, 1-based): chrX:23,000,651, G>C. VCF-style: chrX-23000651-G-C. GRCh37 (hg19) VCF-style: chrX-23018768-G-C.
Other names: short protein forms K198N.
Identifiers: ClinVar variation 3573542 (VCV003573542.1).
Genomic context (GRCh38, chrX:23,000,651, plus strand): 5'-TTACATAGAATCCAAAGCAACAAGCTGCATGTCTGAAATGCAGGTGATTAACTGGAGAAA[G>C]GAAAATTTCAACATAACGTGTGATGACTTGAAAAGTGGTGAAAAGCGTCTCATTCCAAAA-3'
Protein context (NP_874358.2, residues 188-208): MSEMQVINWR[Lys198Asn]ENFNITCDDL